The following is an entry in ClinVar:

NM_000719.7(CACNA1C):c.5808C>G (p.Ser1936Arg)

Genes: CACNA1C (calcium voltage-gated channel subunit alpha1 C; plus strand), CACNA1C-AS1 (CACNA1C antisense RNA 1; minus strand). Cytogenetic location: 12p13.33.
Variant type: single nucleotide variant.
Coding change: c.5808C>G on transcript NM_000719.7 (MANE Select); coding-DNA position 5808, C replaced by G.
Protein change: p.Ser1936Arg; replaces serine 1936 with arginine.
Molecular consequence: missense variant.
Genome position (GRCh38, 1-based): chr12:2,688,470, C>G. VCF-style: chr12-2688470-C-G. GRCh37 (hg19) VCF-style: chr12-2797636-C-G.
Other names: c.5952C>G, p.Ser1984Arg (NM_001129827.2); c.5931C>G, p.Ser1977Arg (NM_001129829.2); c.5913C>G, p.Ser1971Arg (NM_001129830.3, NM_001167624.3); c.5892C>G, p.Ser1964Arg (NM_001129831.2); c.5868C>G, p.Ser1956Arg (NM_001129832.2); c.5865C>G, p.Ser1955Arg (NM_001129833.2, NM_001129834.2, NM_001129835.2); c.5859C>G, p.Ser1953Arg (NM_001129836.2); c.5832C>G, p.Ser1944Arg (NM_001129837.2, NM_001129838.2); and 6 more; short protein forms S1925R, S1933R, S1936R, S1942R, S1944R, S1953R, S1955R, S1956R.
Identifiers: ClinVar variation 1059452 (VCV001059452.8), dbSNP rs748679771, ClinGen allele CA6389996.
Genomic context (GRCh38, chr12:2,688,470, plus strand): 5'-CCACTCCTATTAACTCACACTCCTTGTGTGTCCGCAGGCATTGGCAGTGGCAGGCCTGAG[C>G]CCCCTCCTCCAGAGAAGCCATTCCCCTGCCTCATTCCCTAGGCCTTTTGCCACCCCACCA-3'
Protein context (NP_000710.5, residues 1926-1946): HHQALAVAGL[Ser1936Arg]PLLQRSHSPA

ClinVar aggregate classification (germline): Uncertain significance. Review status: criteria provided, multiple submitters, no conflicts (2 of 4 stars). 2 submissions from 2 submitters: Uncertain significance (2). Last evaluated 2023-11-13.

Conditions:
Long QT syndrome (LQTS). Identifiers: MedGen C0023976, MeSH D008133, MONDO:0002442. Disease mechanism: loss of function. Inheritance: Various modes of inheritance.
Cardiovascular phenotype. Identifiers: MedGen CN230736.

Allele frequency attached by ClinVar (database versions not stated): gnomAD exomes below 0.00001; ExAC 0.00001; gnomAD 0.00001.
gnomAD v4.1: 7 of 1,613,480 alleles (0.00043%); highest among the groups gnomAD compares: African/African-American, 0.0013%; no homozygotes.

Submissions (2):

Ambry Genetics
Classification: Uncertain significance for Cardiovascular phenotype. Last evaluated: 2023-11-13. Review status: criteria provided, single submitter. Criteria: Ambry Variant Classification Scheme 2023. Collection method: clinical testing. Allele origin: germline.
Comment: The p.S1936R variant (also known as c.5808C>G), located in coding exon 46 of the CACNA1C gene, results from a C to G substitution at nucleotide position 5808. The serine at codon 1936 is replaced by arginine, an amino acid with dissimilar properties. This amino acid position is highly conserved in available vertebrate species. In addition, the in silico prediction for this alteration is inconclusive. Since supporting evidence is limited at this time, the clinical significance of this alteration remains unclear.

Labcorp Genetics (formerly Invitae), Labcorp
Classification: Uncertain significance for Long QT syndrome. Last evaluated: 2022-05-21. Review status: criteria provided, single submitter. Criteria: Invitae Variant Classification Sherloc (09022015). Collection method: clinical testing. Allele origin: germline.
Comment: This sequence change replaces serine, which is neutral and polar, with arginine, which is basic and polar, at codon 1936 of the CACNA1C protein (p.Ser1936Arg). This variant is present in population databases (rs748679771, gnomAD 0.0009%). This variant has not been reported in the literature in individuals affected with CACNA1C-related conditions. ClinVar contains an entry for this variant (Variation ID: 1059452). Algorithms developed to predict the effect of missense changes on protein structure and function are either unavailable or do not agree on the potential impact of this missense change (SIFT: "Tolerated"; PolyPhen-2: "Probably Damaging"; Align-GVGD: "Class C0"). In summary, the available evidence is currently insufficient to determine the role of this variant in disease. Therefore, it has been classified as a Variant of Uncertain Significance.